The following is an entry in ClinVar:

ClinVar aggregate classification (germline): Uncertain significance (1 of 4 stars; one submission).

Submission:

Labcorp Genetics (formerly Invitae), Labcorp
Classification: Uncertain significance. Last evaluated: 2025-04-09. Review status: criteria provided, single submitter. Criteria: Invitae Variant Classification Sherloc (09022015). Collection method: clinical testing. Allele origin: germline.
Comment: This sequence change replaces isoleucine, which is neutral and non-polar, with threonine, which is neutral and polar, at codon 329 of the ADSSL1 protein (p.Ile329Thr). This variant is present in population databases (rs773779986, gnomAD 0.0009%). This variant has not been reported in the literature in individuals affected with ADSSL1-related conditions. An algorithm developed to predict the effect of missense changes on protein structure and function (PolyPhen-2) suggests that this variant is likely to be disruptive. In summary, the available evidence is currently insufficient to determine the role of this variant in disease. Therefore, it has been classified as a Variant of Uncertain Significance.

NM_152328.5(ADSS1):c.857T>C (p.Ile286Thr)

Gene: ADSS1 (adenylosuccinate synthase 1; plus strand). Cytogenetic location: 14q32.33.
Variant type: single nucleotide variant.
Coding change: c.857T>C on transcript NM_152328.5 (MANE Select); coding-DNA position 857, T replaced by C.
Protein change: p.Ile286Thr; replaces isoleucine 286 with threonine.
Molecular consequence: missense variant.
Genome position (GRCh38, 1-based): chr14:104,741,911, T>C. VCF-style: chr14-104741911-T-C. GRCh37 (hg19) VCF-style: chr14-105208248-T-C.
Other names: c.242T>C, p.Ile81Thr (NM_001320424.1); c.986T>C, p.Ile329Thr (NM_199165.2); short protein forms I81T, I286T, I329T.
Identifiers: ClinVar variation 4692915 (VCV004692915.1).
Genomic context (GRCh38, chr14:104,741,911, plus strand): 5'-CCTACCCCTTTGTGACTTCATCCAACTGCACCGTGGGCGGTGTGTGCACGGGCCTGGGCA[T>C]CCCCCCGCAGAACATAGGTGACGTGTATGGCGTGGTGAAAGCCTATACCACACGTGTGGG-3'
Protein context (NP_689541.1, residues 276-296): TVGGVCTGLG[Ile286Thr]PPQNIGDVYG